The following is an entry in ClinVar:

ClinVar aggregate classification (germline): Uncertain significance (1 of 4 stars; one submission).

gnomAD v4.1: 4 of 1,612,796 alleles (0.00025%); highest among the groups gnomAD compares: Non-Finnish European, 0.00025%; no homozygotes.

Submission:

Mayo Clinic Laboratories, Mayo Clinic
Classification: Uncertain significance. Last evaluated: 2024-04-15. Review status: criteria provided, single submitter. Criteria: ACMG Guidelines, 2015. Collection method: clinical testing. Allele origin: germline. Observed: 1 variant allele.
Comment: PP3, PM2

NM_016194.4(GNB5):c.655T>C (p.Cys219Arg)

Gene: GNB5 (G protein subunit beta 5; minus strand). Cytogenetic location: 15q21.2.
Variant type: single nucleotide variant.
Coding change: c.655T>C on transcript NM_016194.4 (MANE Select); coding-DNA position 655, T replaced by C.
Protein change: p.Cys219Arg; replaces cysteine 219 with arginine.
Molecular consequence: missense variant.
Genome position (GRCh38, 1-based): chr15:52,135,729, A>G on the plus strand (T>C on the coding strand, the complement: GNB5 is on the minus strand). VCF-style: chr15-52135729-A-G. GRCh37 (hg19) VCF-style: chr15-52427926-A-G.
Other names: p.Cys219Arg; c.373T>C, p.Cys125Arg (NM_001379343.1); c.529T>C, p.Cys177Arg (NM_006578.4); short protein forms C125R, C177R, C219R.
Identifiers: ClinVar variation 3380288 (VCV003380288.1).